The following is an entry in ClinVar:

NM_006514.4(SCN10A):c.4520T>C (p.Ile1507Thr)

Gene: SCN10A (sodium voltage-gated channel alpha subunit 10; minus strand). Cytogenetic location: 3p22.2.
Variant type: single nucleotide variant.
Coding change: c.4520T>C on transcript NM_006514.4 (MANE Select); coding-DNA position 4520, T replaced by C.
Protein change: p.Ile1507Thr; replaces isoleucine 1507 with threonine.
Molecular consequence: missense variant.
Genome position (GRCh38, 1-based): chr3:38,701,976, A>G on the plus strand (T>C on the coding strand, the complement: SCN10A is on the minus strand). VCF-style: chr3-38701976-A-G. GRCh37 (hg19) VCF-style: chr3-38743467-A-G.
Other names: c.4517T>C, p.Ile1506Thr (NM_001293306.2); c.4226T>C, p.Ile1409Thr (NM_001293307.2); short protein forms I1506T, I1409T, I1507T.
Identifiers: ClinVar variation 2553316 (VCV002553316.3), dbSNP rs2470565130, ClinGen allele CA352146343.

ClinVar aggregate classification (germline): Uncertain significance. Review status: criteria provided, multiple submitters, no conflicts (2 of 4 stars). 2 submissions from 2 submitters: Uncertain significance (2). Last evaluated 2025-12-14.

Conditions:
Cardiovascular phenotype. Identifiers: MedGen CN230736.
Brugada syndrome. Also called: Sudden unexpected nocturnal death syndrome; Sudden unexplained nocturnal death syndrome; Sudden Unexplained Death Syndrome; Sudden Unexplained Nocturnal Death Syndrome (SUNDS). Identifiers: Orphanet 130, MedGen C1142166, MONDO:0015263.

Allele frequency attached by ClinVar (database versions not stated): gnomAD exomes below 0.00001.
gnomAD v4.1: 2 of 1,614,100 alleles (0.00012%); highest among the groups gnomAD compares: Non-Finnish European, 0.00017%; no homozygotes.

Submissions (2):

Labcorp Genetics (formerly Invitae), Labcorp
Classification: Uncertain significance for Brugada syndrome. Last evaluated: 2025-12-14. Review status: criteria provided, single submitter. Criteria: Invitae Variant Classification Sherloc (09022015). Collection method: clinical testing. Allele origin: germline.
Comment: This sequence change replaces isoleucine, which is neutral and non-polar, with threonine, which is neutral and polar, at codon 1507 of the SCN10A protein (p.Ile1507Thr). This variant is not present in population databases (gnomAD no frequency). This variant has not been reported in the literature in individuals affected with SCN10A-related conditions. ClinVar contains an entry for this variant (Variation ID: 2553316). Invitae Evidence Modeling of protein sequence and biophysical properties (such as structural, functional, and spatial information, amino acid conservation, physicochemical variation, residue mobility, and thermodynamic stability) indicates that this missense variant is not expected to disrupt SCN10A protein function with a negative predictive value of 80%. In summary, the available evidence is currently insufficient to determine the role of this variant in disease. Therefore, it has been classified as a Variant of Uncertain Significance.

Ambry Genetics
Classification: Uncertain significance for Cardiovascular phenotype. Last evaluated: 2023-07-15. Review status: criteria provided, single submitter. Criteria: Ambry Variant Classification Scheme 2023. Collection method: clinical testing. Allele origin: germline.
Comment: The p.I1507T variant (also known as c.4520T>C), located in coding exon 26 of the SCN10A gene, results from a T to C substitution at nucleotide position 4520. The isoleucine at codon 1507 is replaced by threonine, an amino acid with similar properties. This amino acid position is conserved. In addition, the in silico prediction for this alteration is inconclusive. Since supporting evidence is limited at this time, the clinical significance of this alteration remains unclear.